The following is an entry in ClinVar:

ClinVar aggregate classification (germline): Conflicting classifications of pathogenicity. Review status: criteria provided, conflicting classifications (1 of 4 stars). 7 submissions from 7 submitters: Uncertain significance (5); Likely benign (1). 1 of the submissions does not count toward it. Last evaluated 2024-01-28.

Conditions:
Familial pancreatic carcinoma. Identifiers: Orphanet 1333, MedGen C2931038, MONDO:0015278, OMIM 260350.
Hereditary cancer-predisposing syndrome. Also called: Hereditary Cancer Syndrome; Tumor predisposition; Hereditary neoplastic syndrome; Neoplastic Syndromes, Hereditary. Identifiers: Orphanet 140162, MedGen C0027672, MeSH D009386, MONDO:0015356.
Familial cancer of breast. Also called: Hereditary breast cancer; BREAST CANCER, FAMILIAL; hereditary breast carcinoma. Identifiers: Orphanet 227535, MedGen C0346153, MONDO:0016419, OMIM 114480. Disease mechanism: loss of function.

Allele frequency attached by ClinVar (database versions not stated): gnomAD exomes 0.00003; gnomAD 0.00001; TOPMed 0.00001.
gnomAD v4.1: 49 of 1,614,048 alleles (0.003%); highest among the groups gnomAD compares: Non-Finnish European, 0.0042%; no homozygotes.

Submissions (7):

Labcorp Genetics (formerly Invitae), Labcorp
Classification: Uncertain significance for Familial cancer of breast. Last evaluated: 2024-01-28. Review status: criteria provided, single submitter. Criteria: Invitae Variant Classification Sherloc (09022015). Collection method: clinical testing. Allele origin: germline.
Comment: This sequence change replaces aspartic acid, which is acidic and polar, with asparagine, which is neutral and polar, at codon 714 of the PALB2 protein (p.Asp714Asn). This variant is present in population databases (rs45537237, gnomAD 0.007%). This variant has not been reported in the literature in individuals affected with PALB2-related conditions. ClinVar contains an entry for this variant (Variation ID: 216743). Advanced modeling of protein sequence and biophysical properties (such as structural, functional, and spatial information, amino acid conservation, physicochemical variation, residue mobility, and thermodynamic stability) performed at Invitae indicates that this missense variant is not expected to disrupt PALB2 protein function with a negative predictive value of 80%. In summary, the available evidence is currently insufficient to determine the role of this variant in disease. Therefore, it has been classified as a Variant of Uncertain Significance.

Ambry Genetics
Classification: Likely benign for Hereditary cancer-predisposing syndrome. Last evaluated: 2023-12-22. Review status: criteria provided, single submitter. Criteria: Ambry Variant Classification Scheme 2023. Collection method: clinical testing. Allele origin: germline.

GeneDx
Classification: Uncertain significance. Last evaluated: 2023-07-18. Review status: criteria provided, single submitter. Criteria: GeneDx Variant Classification Process June 2021. Collection method: clinical testing. Allele origin: germline.
Comment: Not observed at significant frequency in large population cohorts (gnomAD); In silico analysis supports that this missense variant does not alter protein structure/function; Absent from breast cancer cases, but was observed in a control group in a breast cancer case-control study (Rahman et al., 2007); This variant is associated with the following publications: (PMID: 17200668)

Department of Pathology and Laboratory Medicine, Sinai Health System
Classification: Uncertain significance for Familial pancreatic carcinoma. Last evaluated: 2023-05-09. Review status: criteria provided, single submitter. Criteria: ACMG Guidelines, 2015. Collection method: clinical testing. Allele origin: germline. Affected: yes.

Myriad Genetics, Inc.
Classification: Uncertain significance for Familial cancer of breast. Last evaluated: 2023-03-30. Review status: criteria provided, single submitter. Criteria: Myriad Autosomal Dominant, Autosomal Recessive and X-Linked Classification Criteria (2023). Collection method: clinical testing. Allele origin: unknown.
Comment: This variant is classified as a variant of uncertain significance as there is insufficient evidence to determine its impact on protein function and/or cancer risk.

Color Diagnostics, LLC DBA Color Health
Classification: Uncertain significance for Hereditary cancer-predisposing syndrome. Last evaluated: 2018-07-29. Review status: criteria provided, single submitter. Criteria: ACMG Guidelines, 2015. Collection method: clinical testing. Allele origin: germline.

Counsyl
Classification: Uncertain significance for Familial cancer of breast. Last evaluated: 2018-01-05. Review status: no assertion criteria provided. Collection method: clinical testing. Allele origin: unknown. Not counted in ClinVar's aggregate classification.

Literature cited by the submitters: PubMed 17200668 (cited by 3 submitters); PubMed 33471991 (cited by Department of Pathology and Laboratory Medicine, Sinai Health System).

NM_024675.4(PALB2):c.2140G>A (p.Asp714Asn)

Gene: PALB2 (partner and localizer of BRCA2; minus strand). Cytogenetic location: 16p12.2.
Variant type: single nucleotide variant.
Coding change: c.2140G>A on transcript NM_024675.4 (MANE Select); coding-DNA position 2140, G replaced by A.
Protein change: p.Asp714Asn; replaces aspartic acid 714 with asparagine.
Molecular consequence: missense variant.
Genome position (GRCh38, 1-based): chr16:23,630,014, C>T on the plus strand (G>A on the coding strand, the complement: PALB2 is on the minus strand). VCF-style: chr16-23630014-C-T. GRCh37 (hg19) VCF-style: chr16-23641335-C-T.
Other names: short protein forms D714N.
Identifiers: ClinVar variation 216743 (VCV000216743.20), dbSNP rs45537237, ClinGen allele CA335668.